The following is an entry in ClinVar:

NM_022051.3(EGLN1):c.374C>A (p.Ser125Ter)

Gene: EGLN1 (egl-9 family hypoxia inducible factor 1; minus strand). Cytogenetic location: 1q42.2.
Variant type: single nucleotide variant.
Coding change: c.374C>A on transcript NM_022051.3 (MANE Select); coding-DNA position 374, C replaced by A.
Protein change: p.Ser125Ter; replaces serine 125 with a stop codon.
Molecular consequence: nonsense.
Genome position (GRCh38, 1-based): chr1:231,421,515, G>T on the plus strand (C>A on the coding strand, the complement: EGLN1 is on the minus strand). VCF-style: chr1-231421515-G-T. GRCh37 (hg19) VCF-style: chr1-231557261-G-T.
Other names: c.374C>A, p.Ser125Ter (NM_001377260.1, NM_001377261.1); short protein forms S125*.
Identifiers: ClinVar variation 4663403 (VCV004663403.1).

ClinVar aggregate classification (germline): Uncertain significance (1 of 4 stars; one submission).

Submission:

Ambry Genetics
Classification: Uncertain significance. Last evaluated: 2025-09-24. Review status: criteria provided, single submitter. Criteria: Ambry Variant Classification Scheme 2023. Collection method: clinical testing. Allele origin: germline.
Comment: The p.S125* variant (also known as c.374C>A), located in coding exon 1 of the EGLN1 gene, results from a C to A substitution at nucleotide position 374. This changes the amino acid from a serine to a stop codon within coding exon 1. The evidence for this gene-disease relationship is limited; therefore, the clinical significance of this alteration is unclear.